The following is an entry in ClinVar:

ClinVar aggregate classification (germline): Likely pathogenic (1 of 4 stars; one submission).

Conditions:
Primary ciliary dyskinesia 3. Identifiers: Orphanet 244, MedGen C1837618, MONDO:0012085, OMIM 608644.

Submission:

Myriad Genetics, Inc.
Classification: Likely pathogenic for Primary ciliary dyskinesia 3. Last evaluated: 2022-05-18. Review status: criteria provided, single submitter. Criteria: Myriad Women's Health Autosomal Recessive and X-Linked Classification Criteria (2021). Collection method: clinical testing. Allele origin: unknown.
Comment: NM_001369.2(DNAH5):c.13119dupC(F4374Lfs*2) is expected to be pathogenic in the context of DNAH5-related primary ciliary dyskinesia. This variant is predicted to lead to an abnormal or absent protein product due to the creation of a premature termination codon in DNAH5, a gene where loss-of-function variants are known to be pathogenic. Please note: this variant was assessed in the context of healthy population screening.

NM_001369.3(DNAH5):c.13119dup (p.Phe4374fs)

Gene: DNAH5 (dynein axonemal heavy chain 5; minus strand). Cytogenetic location: 5p15.2.
Variant type: Duplication.
Coding change: c.13119dup on transcript NM_001369.3 (MANE Select); coding-DNA position 13119, one base duplicated (C; older notation c.13119dupC).
Protein change: p.Phe4374fs; shifts the reading frame from phenylalanine 4374.
Molecular consequence: frameshift variant.
Genome position (GRCh38, 1-based): chr5:13,714,411, G duplicated on the plus strand (C on the coding strand, the reverse complement: DNAH5 is on the minus strand); the first of 4 consecutive G bases (chr5:13,714,411-13,714,414); duplicating any one gives the same sequence. VCF-style (leftmost placement, unchanged base first): chr5-13714410-A-AG. GRCh37 (hg19) VCF-style: chr5-13714519-A-AG.
Other names: short protein forms F4374fs.
Identifiers: ClinVar variation 1726157 (VCV001726157.2), dbSNP rs2546502967, ClinGen allele CA2580072007.
Genomic context (GRCh38, chr5:13,714,410, plus strand): 5'-CCAACCGAAGATATGCAACCCCAGCTGACATTTTGTCAGGATTTCATCAACTCACTTCAA[A>AG]GGGGACATAGTCTGGGGGCAGCTTCTCCAGCATATCATCAGCCAGCCGGGCCACCACCGC-3'